The following is an entry in ClinVar:

ClinVar aggregate classification (germline): Uncertain significance. Review status: criteria provided, multiple submitters, no conflicts (2 of 4 stars). 2 submissions from 2 submitters: Uncertain significance (2). Last evaluated 2024-03-06.

Conditions:
Hereditary cancer-predisposing syndrome. Also called: Hereditary Cancer Syndrome; Neoplastic Syndromes, Hereditary; Tumor predisposition; Hereditary neoplastic syndrome. Identifiers: Orphanet 140162, MedGen C0027672, MeSH D009386, MONDO:0015356.

Allele frequency attached by ClinVar (database versions not stated): gnomAD exomes below 0.00001; TOPMed below 0.00001; ExAC 0.00001.

Submissions (2):

Color Diagnostics, LLC DBA Color Health
Classification: Uncertain significance for Hereditary cancer-predisposing syndrome. Last evaluated: 2024-03-06. Review status: criteria provided, single submitter. Criteria: ACMG Guidelines, 2015. Collection method: clinical testing. Allele origin: germline.
Comment: This missense variant replaces glycine with serine at codon 581 of the BAP1 protein. Computational prediction suggests that this variant may not impact protein structure and function (internally defined REVEL score threshold <= 0.5, PMID: 27666373). To our knowledge, functional studies have not been reported for this variant. This variant has not been reported in individuals affected with hereditary cancer in the literature. This variant has been identified in 1/251118 chromosomes in the general population by the Genome Aggregation Database (gnomAD). The available evidence is insufficient to determine the role of this variant in disease conclusively. Therefore, this variant is classified as a Variant of Uncertain Significance.

Ambry Genetics
Classification: Uncertain significance for Hereditary cancer-predisposing syndrome. Last evaluated: 2023-07-23. Review status: criteria provided, single submitter. Criteria: Ambry Variant Classification Scheme 2023. Collection method: clinical testing. Allele origin: germline.
Comment: The p.G581S variant (also known as c.1741G>A), located in coding exon 14 of the BAP1 gene, results from a G to A substitution at nucleotide position 1741. The glycine at codon 581 is replaced by serine, an amino acid with similar properties. This amino acid position is conserved. In addition, this alteration is predicted to be tolerated by in silico analysis. Since supporting evidence is limited at this time, the clinical significance of this alteration remains unclear.

NM_004656.4(BAP1):c.1741G>A (p.Gly581Ser)

Gene: BAP1 (BRCA1 associated deubiquitinase 1; minus strand). Cytogenetic location: 3p21.1.
Variant type: single nucleotide variant.
Coding change: c.1741G>A on transcript NM_004656.4 (MANE Select); coding-DNA position 1741, G replaced by A.
Protein change: p.Gly581Ser; replaces glycine 581 with serine.
Molecular consequence: missense variant.
Genome position (GRCh38, 1-based): chr3:52,403,287, C>T on the plus strand (G>A on the coding strand, the complement: BAP1 is on the minus strand). VCF-style: chr3-52403287-C-T. GRCh37 (hg19) VCF-style: chr3-52437303-C-T.
Other names: c.1741G>A (LRG_529t1); short protein forms G581S.
Identifiers: ClinVar variation 489624 (VCV000489624.9), dbSNP rs779252716, ClinGen allele CA2436723.